The following is an entry in ClinVar:

ClinVar aggregate classification (germline): Uncertain significance (1 of 4 stars; one submission).

Submission:

ARUP Laboratories, Molecular Genetics and Genomics, ARUP Laboratories
Classification: Uncertain significance. Last evaluated: 2025-05-10. Review status: criteria provided, single submitter. Criteria: ARUP Molecular Germline Variant Investigation Process 2024. Collection method: clinical testing. Allele origin: germline.
Comment: The SLC4A1 c.2042A>C; p.Glu681Ala variant, to our knowledge, is not reported in the medical literature or gene specific databases. This variant is also absent from the Genome Aggregation Database (v2.1.1), indicating it is not a common polymorphism. Computational analyses predict that this variant is deleterious (REVEL: 0.939) and may impact splicing by creating a novel cryptic acceptor splice site. However, given the lack of clinical and functional data, the significance of this variant is uncertain at this time.

NM_000342.4(SLC4A1):c.2042A>C (p.Glu681Ala)

Gene: SLC4A1 (solute carrier family 4 member 1 (Diego blood group); minus strand). Cytogenetic location: 17q21.31.
Variant type: single nucleotide variant.
Coding change: c.2042A>C on transcript NM_000342.4 (MANE Select); coding-DNA position 2042, A replaced by C.
Protein change: p.Glu681Ala; replaces glutamic acid 681 with alanine.
Molecular consequence: missense variant.
Genome position (GRCh38, 1-based): chr17:44,254,511, T>G on the plus strand (A>C on the coding strand, the complement: SLC4A1 is on the minus strand). VCF-style: chr17-44254511-T-G. GRCh37 (hg19) VCF-style: chr17-42331879-T-G.
Other names: short protein forms E681A.
Identifiers: ClinVar variation 4685810 (VCV004685810.1).
Genomic context (GRCh38, chr17:44,254,511, plus strand): 5'-CCTGCCTCCCACCCTCCCAGGCCCAGCCCCCACCCTGTCTCTCACGTGGTGATCTGAGAC[T>G]CCAGGAATATGAGGATGAAGACCAGCAGAGCAGGCAGGGCGGAGGCAAACATCATCCAGA-3'
Protein context (NP_000333.1, residues 671-691): ALLVFILIFL[Glu681Ala]SQITTLIVSK